The following is an entry in ClinVar:

NM_006506.5(RASA2):c.1549G>T (p.Val517Leu)

Gene: RASA2 (RAS p21 protein activator 2; plus strand). Cytogenetic location: 3q23.
Variant type: single nucleotide variant.
Coding change: c.1549G>T on transcript NM_006506.5 (MANE Select); coding-DNA position 1549, G replaced by T.
Protein change: p.Val517Leu; replaces valine 517 with leucine.
Molecular consequence: missense variant.
Genome position (GRCh38, 1-based): chr3:141,577,065, G>T. VCF-style: chr3-141577065-G-T. GRCh37 (hg19) VCF-style: chr3-141295907-G-T.
Other names: c.1549G>T, p.Val517Leu (NM_001303245.3, NM_001303246.3); c.1549G>T (NM_001303246.1, NM_006506.2); short protein forms V517L.
Identifiers: ClinVar variation 917579 (VCV000917579.11), dbSNP rs201190266, ClinGen allele CA2645538.

ClinVar aggregate classification (germline): Conflicting classifications of pathogenicity. Review status: criteria provided, conflicting classifications (1 of 4 stars). 5 submissions from 5 submitters: Uncertain significance (2); Benign (1); Likely benign (2). Last evaluated 2025-11-05.

Conditions:
RASA2-related disorder. Also called: RASA2-related condition.

Allele frequency attached by ClinVar (database versions not stated): TOPMed 0.00034; ESP Exome Variant Server 0.00054.
gnomAD v4.1: 821 of 1,610,776 alleles (0.051%); highest among the groups gnomAD compares: Non-Finnish European, 0.064%; no homozygotes.

Submissions (5):

Labcorp Genetics (formerly Invitae), Labcorp
Classification: Uncertain significance. Last evaluated: 2025-11-05. Review status: criteria provided, single submitter. Criteria: Invitae Variant Classification Sherloc (09022015). Collection method: clinical testing. Allele origin: germline.
Comment: This sequence change replaces valine, which is neutral and non-polar, with leucine, which is neutral and non-polar, at codon 517 of the RASA2 protein (p.Val517Leu). This variant is present in population databases (rs201190266, gnomAD 0.06%), and has an allele count higher than expected for a pathogenic variant. This variant has not been reported in the literature in individuals affected with RASA2-related conditions. ClinVar contains an entry for this variant (Variation ID: 917579). Invitae Evidence Modeling of protein sequence and biophysical properties (such as structural, functional, and spatial information, amino acid conservation, physicochemical variation, residue mobility, and thermodynamic stability) indicates that this missense variant is not expected to disrupt RASA2 protein function with a negative predictive value of 80%. In summary, the available evidence is currently insufficient to determine the role of this variant in disease. Therefore, it has been classified as a Variant of Uncertain Significance.

Blueprint Genetics
Classification: Likely benign. Last evaluated: 2024-11-25. Review status: criteria provided, single submitter. Criteria: ACMG Guidelines, 2015. Collection method: clinical testing. Allele origin: germline.

Ambry Genetics
Classification: Likely benign. Last evaluated: 2023-01-21. Review status: criteria provided, single submitter. Criteria: Ambry Variant Classification Scheme 2023. Collection method: clinical testing. Allele origin: germline.

PreventionGenetics, part of Exact Sciences
Classification: Uncertain significance for RASA2-related condition. Last evaluated: 2022-11-03. Review status: criteria provided, single submitter. Criteria: ACMG Guidelines, 2015. Collection method: clinical testing. Allele origin: germline.
Comment: The RASA2 c.1549G>T variant is predicted to result in the amino acid substitution p.Val517Leu. To our knowledge, this variant has not been reported in the literature. This variant is reported in 0.060% of alleles in individuals of European (Non-Finnish) descent in gnomAD. Of note, this variant has a sub-population frequency that is likely too high to be pathogenic for autosomal dominant Noonan syndrome (Gelb et al. 2018. PubMed ID: 29493581). To our knowledge, this variant has not been reported in the literature. Although we suspect this variant may be benign, at this time, the clinical significance of this variant is uncertain due to the absence of conclusive functional and genetic evidence.

Women's Health and Genetics/Laboratory Corporation of America, LabCorp
Classification: Benign. Last evaluated: 2020-01-20. Review status: criteria provided, single submitter. Criteria: LabCorp Variant Classification Summary - May 2015. Collection method: clinical testing. Allele origin: germline.
Comment: Variant summary: RASA2 c.1549G>T (p.Val517Leu) results in a conservative amino acid change located in the Ras GTPase-activating domain of the encoded protein sequence. Three of five in-silico tools predict a benign effect of the variant on protein function. The variant allele was found at a frequency of 0.00037 in 250202 control chromosomes. The observed variant frequency is approximately 73.54 fold of the estimated maximal expected allele frequency for a pathogenic variant in RASA2 causing Noonan Syndrome and Related Conditions phenotype (5e-06), strongly suggesting that the variant is benign. To our knowledge, no occurrence of c.1549G>T in individuals affected with Noonan Syndrome and Related Conditions and no experimental evidence demonstrating its impact on protein function have been reported. No clinical diagnostic laboratories have submitted clinical-significance assessments for this variant to ClinVar after 2014. Based on the evidence outlined above, the variant was classified as benign.